The following is an entry in ClinVar:

NM_152564.5(VPS13B):c.10868-7G>A

Gene: VPS13B (vacuolar protein sorting 13 homolog B; plus strand). Cytogenetic location: 8q22.2.
Variant type: single nucleotide variant.
Coding change: c.10868-7G>A on transcript NM_152564.5 (MANE Select); 7 bases into the intron before coding-DNA position 10868, G replaced by A.
Molecular consequence: intron variant.
Genome position (GRCh38, 1-based): chr8:99,859,297, G>A. VCF-style: chr8-99859297-G-A. GRCh37 (hg19) VCF-style: chr8-100871525-G-A.
Other names: c.10943-7G>A (NM_017890.5); c.10868-7G>A (NM_152564.4).
Identifiers: ClinVar variation 721319 (VCV000721319.14), dbSNP rs376141593, ClinGen allele CA4825054.
Genomic context (GRCh38, chr8:99,859,297, plus strand): 5'-TTTTTCACAAATGTTGAAAGTTCTGCATTTGAGGTTTCAATCACCCCTTCCCTCTTGTGC[G>A]TTGCAGGCTGGGTAGTTGGGTCTCTGGATATTCTTGGCAGCCCTGCAAGCCTGGTGAGAA-3'

ClinVar aggregate classification (germline): Likely benign. Review status: criteria provided, multiple submitters, no conflicts (2 of 4 stars). 5 submissions from 5 submitters: Likely benign (3). 2 of the submissions do not count toward it. Last evaluated 2026-01-25.

Conditions:
Cohen syndrome (COH1). Also called: Cutis verticis gyrata, retinitis pigmentosa, and sensorineural deafness; PEPPER SYNDROME. Identifiers: Orphanet 193, MedGen C0265223, MONDO:0008999, OMIM 216550.
VPS13B-related disorder. Also called: VPS13B-related condition.

Allele frequency attached by ClinVar (database versions not stated): ExAC 0.00005; TOPMed 0.00005; gnomAD exomes 0.00007; ESP Exome Variant Server 0.00008; gnomAD 0.00008 and 0.00009.
gnomAD v4.1: 109 of 1,613,202 alleles (0.0068%); highest among the groups gnomAD compares: East Asian, 0.018%; no homozygotes.

Submissions (5):

Labcorp Genetics (formerly Invitae), Labcorp
Classification: Likely benign for Cohen syndrome. Last evaluated: 2026-01-25. Review status: criteria provided, single submitter. Criteria: Invitae Variant Classification Sherloc (09022015). Collection method: clinical testing. Allele origin: germline.

Blueprint Genetics
Classification: Likely benign. Last evaluated: 2023-08-02. Review status: criteria provided, single submitter. Criteria: ACMG Guidelines, 2015. Collection method: clinical testing. Allele origin: germline.

Fulgent Genetics
Classification: Likely benign for Cohen syndrome. Last evaluated: 2021-07-29. Review status: criteria provided, single submitter. Criteria: ACMG Guidelines, 2015. Collection method: clinical testing. Allele origin: unknown.

PreventionGenetics, part of Exact Sciences
Classification: Likely benign for VPS13B-related condition. Last evaluated: 2021-06-03. Review status: no assertion criteria provided. Collection method: clinical testing. Allele origin: germline. Not counted in ClinVar's aggregate classification.
Comment: This variant is classified as likely benign based on ACMG/AMP sequence variant interpretation guidelines (Richards et al. 2015 PMID: 25741868, with internal and published modifications).

Natera, Inc.
Classification: Uncertain significance for Cohen syndrome. Last evaluated: 2020-01-17. Review status: no assertion criteria provided. Collection method: clinical testing. Allele origin: germline. Not counted in ClinVar's aggregate classification.